The following is an entry in ClinVar:

NM_000540.3(RYR1):c.7530T>C (p.Tyr2510=)

Gene: RYR1 (ryanodine receptor 1; plus strand). Cytogenetic location: 19q13.2.
Variant type: single nucleotide variant.
Coding change: c.7530T>C on transcript NM_000540.3 (MANE Select); coding-DNA position 7530, T replaced by C.
Protein change: p.Tyr2510=; no amino-acid change (tyrosine 2510 retained).
Molecular consequence: synonymous variant.
Genome position (GRCh38, 1-based): chr19:38,500,906, T>C. VCF-style: chr19-38500906-T-C. GRCh37 (hg19) VCF-style: chr19-38991546-T-C.
Other names: c.7530T>C, p.Tyr2510= (NM_001042723.2).
Identifiers: ClinVar variation 2762819 (VCV002762819.5), dbSNP rs2514322390, ClinGen allele CA507354068.
Genomic context (GRCh38, chr19:38,500,906, plus strand): 5'-GTCAGCATCCTTCGTGCCGGACCACAAGGCGTCCATGGTGCTCTTCCTGGACCGTGTGTA[T>C]GGCATCGAGAACCAGGACTTCTTGCTGCACGTGCTGGACGTGGGGTTCCTGCCCGACATG-3'
Protein context (NP_000531.2, residues 2500-2520): ASMVLFLDRV[Tyr2510=]GIENQDFLLH

ClinVar aggregate classification (germline): Likely benign. Review status: criteria provided, multiple submitters, no conflicts (2 of 4 stars). 3 submissions from 3 submitters: Likely benign (3). Last evaluated 2025-01-15.

Conditions:
RYR1-related disorder. Also called: RYR1-related condition; RYR1-related disorders. Identifiers: MedGen CN239331.
Malignant hyperthermia, susceptibility to, 1 (MHS1). Also called: Anesthesia related hyperthermia; Malignant hyperpyrexia; Fulminating hyperpyrexia; Pharmacogenic myopathy; RYR1-Related Malignant Hyperthermia Susceptibility; Malignant hyperthermia suceptibility 1. Identifiers: Orphanet 423, MedGen C2930980, MONDO:0007783, OMIM 145600.

Allele frequency attached by ClinVar (database versions not stated): gnomAD exomes 0.00001.
gnomAD v4.1: 20 of 1,614,048 alleles (0.0012%); highest among the groups gnomAD compares: Non-Finnish European, 0.0016%; no homozygotes.

Submissions (3):

Labcorp Genetics (formerly Invitae), Labcorp
Classification: Likely benign for RYR1-related disorder. Last evaluated: 2025-01-15. Review status: criteria provided, single submitter. Criteria: Invitae Variant Classification Sherloc (09022015). Collection method: clinical testing. Allele origin: germline.

Blueprint Genetics
Classification: Likely benign. Last evaluated: 2024-08-22. Review status: criteria provided, single submitter. Criteria: ACMG Guidelines, 2015. Collection method: clinical testing. Allele origin: germline.

All of Us Research Program, National Institutes of Health
Classification: Likely benign for Malignant hyperthermia, susceptibility to, 1. Last evaluated: 2023-10-23. Review status: criteria provided, single submitter. Criteria: ACMG Guidelines, 2015. Collection method: clinical testing. Allele origin: germline. Inheritance: Autosomal dominant inheritance. Observed: 2 variant alleles, 2 heterozygotes.
Comment: This study involves interpretation of variants in research participants for the purpose of population health screening. Participant phenotype was not available at the time of variant classification. Additional details can be found in publication PMID: 35346344, PMCID: PMC8962531